The following is an entry in ClinVar:

NM_001130144.3(LTBP3):c.1064-2A>G

Gene: LTBP3 (latent transforming growth factor beta binding protein 3; minus strand). Cytogenetic location: 11q13.1.
Variant type: single nucleotide variant.
Coding change: c.1064-2A>G on transcript NM_001130144.3 (MANE Select); the canonical splice acceptor site of the intron before coding-DNA position 1064, A replaced by G.
Molecular consequence: splice acceptor variant.
Genome position (GRCh38, 1-based): chr11:65,552,984, T>C on the plus strand (A>G on the coding strand, the complement: LTBP3 is on the minus strand). VCF-style: chr11-65552984-T-C. GRCh37 (hg19) VCF-style: chr11-65320455-T-C.
Other names: c.713-2A>G (NM_001164266.1); c.1064-2A>G (NM_021070.4).
Identifiers: ClinVar variation 2741339 (VCV002741339.3), dbSNP rs111950016, ClinGen allele CA223969434.

ClinVar aggregate classification (germline): Likely pathogenic (1 of 4 stars; one submission).

Conditions:
Brachyolmia-amelogenesis imperfecta syndrome. Also called: PLATYSPONDYLY WITH AMELOGENESIS IMPERFECTA; Tooth agenesis, selective, 6; Dental anomalies and short stature. Identifiers: Orphanet 2899, MedGen C1832594, MONDO:0011018, OMIM 601216. Disease mechanism: loss of function.

Allele frequency attached by ClinVar (database versions not stated): gnomAD 0.00001; TOPMed below 0.00001.
gnomAD v4.1: 2 of 1,614,068 alleles (0.00012%); highest among the groups gnomAD compares: Admixed American, 0.0033%; no homozygotes.

Submission:

Labcorp Genetics (formerly Invitae), Labcorp
Classification: Likely pathogenic for Brachyolmia-amelogenesis imperfecta syndrome. Last evaluated: 2025-11-25. Review status: criteria provided, single submitter. Criteria: Invitae Variant Classification Sherloc (09022015). Collection method: clinical testing. Allele origin: germline.
Comment: This sequence change affects an acceptor splice site in intron 5 of the LTBP3 gene. It is expected to disrupt RNA splicing. Variants that disrupt the donor or acceptor splice site typically lead to a loss of protein function (PMID: 16199547), and loss-of-function variants in LTBP3 are known to be pathogenic (PMID: 11790802, 19344874, 25669657). This variant is not present in population databases (gnomAD no frequency). Disruption of this splice site has been observed in individual(s) with autosomal recessive LTBP3-related conditions (internal data). ClinVar contains an entry for this variant (Variation ID: 2741339). Algorithms developed to predict the effect of sequence changes on RNA splicing suggest that this variant may disrupt the consensus splice site. In summary, the currently available evidence indicates that the variant is pathogenic, but additional data are needed to prove that conclusively. Therefore, this variant has been classified as Likely Pathogenic.

Literature cited by the submitters: PubMed 16199547; PubMed 11790802; PubMed 19344874; PubMed 25669657.